The following is an entry in ClinVar:

ClinVar aggregate classification (germline): Uncertain significance. Review status: criteria provided, multiple submitters, no conflicts (2 of 4 stars). 2 submissions from 2 submitters: Uncertain significance (2). Last evaluated 2024-09-18.

Conditions:
Hereditary cancer-predisposing syndrome. Also called: Neoplastic Syndromes, Hereditary; Tumor predisposition; Hereditary neoplastic syndrome; Hereditary Cancer Syndrome. Identifiers: Orphanet 140162, MedGen C0027672, MeSH D009386, MONDO:0015356.
Multiple endocrine neoplasia, type 2 (MEN2). Identifiers: Orphanet 653, MedGen C4048306, MONDO:0019003. Disease mechanism: gain of function.

Submissions (2):

Ambry Genetics
Classification: Uncertain significance for Hereditary cancer-predisposing syndrome. Last evaluated: 2024-09-18. Review status: criteria provided, single submitter. Criteria: Ambry Variant Classification Scheme 2023. Collection method: clinical testing. Allele origin: germline.
Comment: The p.E818Q variant (also known as c.2452G>C), located in coding exon 14 of the RET gene, results from a G to C substitution at nucleotide position 2452. The glutamic acid at codon 818 is replaced by glutamine, an amino acid with highly similar properties. This amino acid position is conserved. In addition, this alteration is predicted to be tolerated by in silico analysis. Based on the available evidence, the clinical significance of this variant remains unclear.

All of Us Research Program, National Institutes of Health
Classification: Uncertain significance for Multiple endocrine neoplasia, type 2. Last evaluated: 2023-04-27. Review status: criteria provided, single submitter. Criteria: ACMG Guidelines, 2015. Collection method: clinical testing. Allele origin: germline. Inheritance: Autosomal dominant inheritance. Observed: 1 variant allele, 1 heterozygote.
Comment: This missense variant replaces glutamic acid with glutamine at codon 818 of the RET protein. Computational prediction suggests that this variant may not impact protein structure and function (internally defined REVEL score threshold <= 0.5, PMID: 27666373). To our knowledge, functional studies have not been reported for this variant. This variant has not been reported in individuals affected with hereditary cancer in the literature. This variant has not been identified in the general population by the Genome Aggregation Database (gnomAD). The available evidence is insufficient to determine the role of this variant in disease conclusively. Therefore, this variant is classified as a Variant of Uncertain Significance.

This study involves interpretation of variants in research participants for the purpose of population health screening. Participant phenotype was not available at the time of variant classification. Additional details can be found in publication PMID: 35346344, PMCID: PMC8962531

NM_020975.6(RET):c.2452G>C (p.Glu818Gln)

Gene: RET (ret proto-oncogene; plus strand). Cytogenetic location: 10q11.21.
Variant type: single nucleotide variant.
Coding change: c.2452G>C on transcript NM_020975.6 (MANE Select); coding-DNA position 2452, G replaced by C.
Protein change: p.Glu818Gln; replaces glutamic acid 818 with glutamine.
Molecular consequence: missense variant.
Genome position (GRCh38, 1-based): chr10:43,119,590, G>C. VCF-style: chr10-43119590-G-C. GRCh37 (hg19) VCF-style: chr10-43615038-G-C.
Other names: c.2452G>C, p.Glu818Gln (NM_000323.2, NM_001406743.1, NM_001406744.1 and 4 more transcripts); c.1690G>C, p.Glu564Gln (NM_001355216.2); c.2323G>C, p.Glu775Gln (NM_001406761.1, NM_001406762.1, NM_001406764.1); c.2317G>C, p.Glu773Gln (NM_001406763.1, NM_001406765.1); c.2164G>C, p.Glu722Gln (NM_001406766.1, NM_001406767.1, NM_001406770.1); c.2188G>C, p.Glu730Gln (NM_001406768.1); c.2056G>C, p.Glu686Gln (NM_001406769.1, NM_001406772.1); c.2014G>C, p.Glu672Gln (NM_001406771.1, NM_001406773.1); and 10 more; short protein forms E335Q, E383Q, E423Q, E474Q, E476Q, E479Q, E488Q, E519Q.
Identifiers: ClinVar variation 3075551 (VCV003075551.2), dbSNP rs377767420, ClinGen allele CA376556218.